The following is an entry in ClinVar:

ClinVar aggregate classification (germline): Uncertain significance (1 of 4 stars; one submission).

Conditions:
LAMA2-related muscular dystrophy (LAMA2-RD). Also called: Laminin alpha 2-related dystrophy. Identifiers: MedGen C5679788, MONDO:0100228.

Allele frequency attached by ClinVar (database versions not stated): gnomAD exomes below 0.00001.
gnomAD v4.1: 1 of 1,613,780 alleles (0.000062%); highest among the groups gnomAD compares: Non-Finnish European, 0.000085%; no homozygotes.

Submission:

Labcorp Genetics (formerly Invitae), Labcorp
Classification: Uncertain significance for LAMA2-related muscular dystrophy. Last evaluated: 2022-07-09. Review status: criteria provided, single submitter. Criteria: Invitae Variant Classification Sherloc (09022015). Collection method: clinical testing. Allele origin: germline.
Comment: This sequence change replaces isoleucine, which is neutral and non-polar, with methionine, which is neutral and non-polar, at codon 2892 of the LAMA2 protein (p.Ile2892Met). This variant is not present in population databases (gnomAD no frequency). This variant has not been reported in the literature in individuals affected with LAMA2-related conditions. Advanced modeling of protein sequence and biophysical properties (such as structural, functional, and spatial information, amino acid conservation, physicochemical variation, residue mobility, and thermodynamic stability) performed at Invitae indicates that this missense variant is not expected to disrupt LAMA2 protein function. In summary, the available evidence is currently insufficient to determine the role of this variant in disease. Therefore, it has been classified as a Variant of Uncertain Significance.

NM_000426.4(LAMA2):c.8676C>G (p.Ile2892Met)

Gene: LAMA2 (laminin subunit alpha 2; plus strand). Cytogenetic location: 6q22.33.
Variant type: single nucleotide variant.
Coding change: c.8676C>G on transcript NM_000426.4 (MANE Select); coding-DNA position 8676, C replaced by G.
Protein change: p.Ile2892Met; replaces isoleucine 2892 with methionine.
Molecular consequence: missense variant.
Genome position (GRCh38, 1-based): chr6:129,505,328, C>G. VCF-style: chr6-129505328-C-G. GRCh37 (hg19) VCF-style: chr6-129826473-C-G.
Other names: c.8664C>G, p.Ile2888Met (NM_001079823.2); short protein forms I2888M, I2892M.
Identifiers: ClinVar variation 2015427 (VCV002015427.1), dbSNP rs2533550439, ClinGen allele CA365634991.